The following is an entry in ClinVar:

ClinVar aggregate classification (germline): Likely pathogenic (1 of 4 stars; one submission).

Allele frequency attached by ClinVar (database versions not stated): TOPMed below 0.00001.

Submission:

GeneDx
Classification: Likely pathogenic. Last evaluated: 2016-08-08. Review status: criteria provided, single submitter. Criteria: GeneDx Variant Classification (06012015). Collection method: clinical testing. Allele origin: germline. Affected: yes.
Comment: The G243V variant in the WDR19 gene has not been reported previously as a pathogenic variant, nor as a benign variant, to our knowledge. The G243V variant was not observed in approximately 6,000 individuals of European and African American ancestry in the NHLBI Exome Sequencing Project, indicating it is not a common benign variant in these populations. The G243V variant is a conservative amino acid substitution, which is not likely to impact secondary protein structure as these residues share similar properties. However, this substitution occurs at a position that is conserved across species, and in silico analysis predicts this variant is probably damaging to the protein structure/function. This variant was found in trans with a pathogenic variant (c.2363+1G>A). The G243V variant is a strong candidate for a pathogenic variant, however the possibility it may be a rare benign variant cannot be excluded.

NM_025132.4(WDR19):c.728G>T (p.Gly243Val)

Gene: WDR19 (WD repeat domain 19; plus strand). Cytogenetic location: 4p14.
Variant type: single nucleotide variant.
Coding change: c.728G>T on transcript NM_025132.4 (MANE Select); coding-DNA position 728, G replaced by T.
Protein change: p.Gly243Val; replaces glycine 243 with valine.
Molecular consequence: missense variant.
Genome position (GRCh38, 1-based): chr4:39,205,574, G>T. VCF-style: chr4-39205574-G-T. GRCh37 (hg19) VCF-style: chr4-39207194-G-T.
Other names: c.248G>T, p.Gly83Val (NM_001317924.2); short protein forms G243V, G83V.
Identifiers: ClinVar variation 372998 (VCV000372998.1), dbSNP rs776687469, ClinGen allele CA16042553.